The following is an entry in ClinVar:

NM_173648.4(CCDC141):c.1537C>A (p.His513Asn)

Gene: CCDC141 (coiled-coil domain containing 141; minus strand). Cytogenetic location: 2q31.2.
Variant type: single nucleotide variant.
Coding change: c.1537C>A on transcript NM_173648.4 (MANE Select); coding-DNA position 1537, C replaced by A.
Protein change: p.His513Asn; replaces histidine 513 with asparagine.
Molecular consequence: missense variant.
Genome position (GRCh38, 1-based): chr2:178,885,083, G>T on the plus strand (C>A on the coding strand, the complement: CCDC141 is on the minus strand). VCF-style: chr2-178885083-G-T. GRCh37 (hg19) VCF-style: chr2-179749810-G-T.
Other names: c.1537C>A, p.His513Asn (NM_001316745.2); short protein forms H513N.
Identifiers: ClinVar variation 3670802 (VCV003670802.2).

ClinVar aggregate classification (germline): Uncertain significance (1 of 4 stars; one submission).

gnomAD v4.1: 7 of 1,548,750 alleles (0.00045%); highest among the groups gnomAD compares: Non-Finnish European, 0.00052%; no homozygotes.

Submission:

Labcorp Genetics (formerly Invitae), Labcorp
Classification: Uncertain significance. Last evaluated: 2024-09-14. Review status: criteria provided, single submitter. Criteria: Invitae Variant Classification Sherloc (09022015). Collection method: clinical testing. Allele origin: germline.
Comment: This sequence change replaces histidine, which is basic and polar, with asparagine, which is neutral and polar, at codon 513 of the CCDC141 protein (p.His513Asn). The frequency data for this variant in the population databases is considered unreliable, as metrics indicate poor data quality at this position in the gnomAD database. This variant has not been reported in the literature in individuals affected with CCDC141-related conditions. An algorithm developed to predict the effect of missense changes on protein structure and function (PolyPhen-2) suggests that this variant is likely to be tolerated. In summary, the available evidence is currently insufficient to determine the role of this variant in disease. Therefore, it has been classified as a Variant of Uncertain Significance.